The following is an entry in ClinVar:

ClinVar aggregate classification (germline): Conflicting classifications of pathogenicity. Review status: criteria provided, conflicting classifications (1 of 4 stars). 5 submissions from 5 submitters: Uncertain significance (4); Benign (1). Last evaluated 2025-07-21.

Conditions:
Familial cancer of breast. Also called: Hereditary breast cancer; hereditary breast carcinoma; BREAST CANCER, FAMILIAL. Identifiers: Orphanet 227535, MedGen C0346153, MONDO:0016419, OMIM 114480. Disease mechanism: loss of function.
Hereditary cancer-predisposing syndrome. Also called: Hereditary neoplastic syndrome; Neoplastic Syndromes, Hereditary; Hereditary Cancer Syndrome; Tumor predisposition. Identifiers: Orphanet 140162, MedGen C0027672, MeSH D009386, MONDO:0015356.
Hereditary breast ovarian cancer syndrome. Also called: BRCA1- and BRCA2-Associated Hereditary Breast and Ovarian Cancer; Hereditary breast and ovarian cancer syndrome; Hereditary breast and ovarian cancer syndrome (HBOC); Hereditary breast and/or ovarian cancer syndrome; Breast and ovarian cancer; Hereditary breast and ovarian cancer. Identifiers: Orphanet 145, MedGen C0677776, MeSH D061325, MONDO:0003582. Disease mechanism: loss of function.

Allele frequency attached by ClinVar (database versions not stated): gnomAD exomes below 0.00001.
gnomAD v4.1: 1 of 1,614,100 alleles (0.000062%); highest among the groups gnomAD compares: Non-Finnish European, 0.000085%; no homozygotes.

Submissions (5):

Labcorp Genetics (formerly Invitae), Labcorp
Classification: Uncertain significance for Hereditary breast ovarian cancer syndrome. Last evaluated: 2025-07-21. Review status: criteria provided, single submitter. Criteria: Invitae Variant Classification Sherloc (09022015). Collection method: clinical testing. Allele origin: germline.
Comment: This sequence change replaces threonine, which is neutral and polar, with asparagine, which is neutral and polar, at codon 2713 of the BRCA2 protein (p.Thr2713Asn). This variant is not present in population databases (gnomAD no frequency). This variant has not been reported in the literature in individuals affected with BRCA2-related conditions. ClinVar contains an entry for this variant (Variation ID: 659001). Invitae Evidence Modeling of protein sequence and biophysical properties (such as structural, functional, and spatial information, amino acid conservation, physicochemical variation, residue mobility, and thermodynamic stability) indicates that this missense variant is not expected to disrupt BRCA2 protein function with a negative predictive value of 95%. In summary, the available evidence is currently insufficient to determine the role of this variant in disease. Therefore, it has been classified as a Variant of Uncertain Significance.

Ambry Genetics
Classification: Benign for Hereditary cancer-predisposing syndrome. Last evaluated: 2025-05-21. Review status: criteria provided, single submitter. Criteria: Ambry Variant Classification Scheme 2023. Collection method: clinical testing. Allele origin: germline.

GeneDx
Classification: Uncertain significance. Last evaluated: 2024-08-27. Review status: criteria provided, single submitter. Criteria: GeneDx Variant Classification Process June 2021. Collection method: clinical testing. Allele origin: germline. Affected: yes.
Comment: Not observed at significant frequency in large population cohorts (gnomAD); In silico analysis indicates that this missense variant does not alter protein structure/function; Has not been previously published as pathogenic or benign to our knowledge; Also known as 8366C>A; This variant is associated with the following publications: (PMID: 31131967)

Mayo Clinic Laboratories, Mayo Clinic
Classification: Uncertain significance. Last evaluated: 2023-10-17. Review status: criteria provided, single submitter. Criteria: ACMG Guidelines, 2015. Collection method: clinical testing. Allele origin: germline. Observed: 1 variant allele.
Comment: BP4, PM2_moderate

Baylor Genetics
Classification: Uncertain significance for Familial cancer of breast. Last evaluated: 2023-07-14. Review status: criteria provided, single submitter. Criteria: ACMG Guidelines, 2015. Collection method: clinical testing. Allele origin: unknown.

NM_000059.4(BRCA2):c.8138C>A (p.Thr2713Asn)

Gene: BRCA2 (BRCA2 DNA repair associated; plus strand). Cytogenetic location: 13q13.1.
Variant type: single nucleotide variant.
Coding change: c.8138C>A on transcript NM_000059.4 (MANE Select); coding-DNA position 8138, C replaced by A.
Protein change: p.Thr2713Asn; replaces threonine 2713 with asparagine.
Molecular consequence: missense variant.
Genome position (GRCh38, 1-based): chr13:32,363,340, C>A. VCF-style: chr13-32363340-C-A. GRCh37 (hg19) VCF-style: chr13-32937477-C-A.
Other names: p.Thr2713Asn; short protein forms T2713N.
Identifiers: ClinVar variation 659001 (VCV000659001.16), dbSNP rs994319321, ClinGen allele CA387749469.